The following is an entry in ClinVar:

NM_000538.4(RFXAP):c.20C>T (p.Ala7Val)

Genes: RFXAP (regulatory factor X associated protein; plus strand), LOC130009573 (ATAC-STARR-seq lymphoblastoid silent region 5267; plus strand). Cytogenetic location: 13q13.3.
Variant type: single nucleotide variant.
Coding change: c.20C>T on transcript NM_000538.4 (MANE Select); coding-DNA position 20, C replaced by T.
Protein change: p.Ala7Val; replaces alanine 7 with valine.
Molecular consequence: missense variant.
Genome position (GRCh38, 1-based): chr13:36,819,377, C>T. VCF-style: chr13-36819377-C-T. GRCh37 (hg19) VCF-style: chr13-37393514-C-T.
Other names: short protein forms A7V.
Identifiers: ClinVar variation 2078364 (VCV002078364.4), dbSNP rs1042508480, ClinGen allele CA248179203.

ClinVar aggregate classification (germline): Uncertain significance (1 of 4 stars; one submission).

Conditions:
MHC class II deficiency. Also called: Bare lymphocyte syndrome 2; BLS, TYPE II. Identifiers: Orphanet 572, MedGen C5447452, MONDO:0008855.

Submission:

Labcorp Genetics (formerly Invitae), Labcorp
Classification: Uncertain significance for MHC class II deficiency. Last evaluated: 2022-01-17. Review status: criteria provided, single submitter. Criteria: Invitae Variant Classification Sherloc (09022015). Collection method: clinical testing. Allele origin: germline.
Comment: This sequence change replaces alanine, which is neutral and non-polar, with valine, which is neutral and non-polar, at codon 7 of the RFXAP protein (p.Ala7Val). This variant is not present in population databases (gnomAD no frequency). This variant has not been reported in the literature in individuals affected with RFXAP-related conditions. Algorithms developed to predict the effect of missense changes on protein structure and function output the following: SIFT: "Tolerated"; PolyPhen-2: "Benign"; Align-GVGD: "Class C0". The valine amino acid residue is found in multiple mammalian species, which suggests that this missense change does not adversely affect protein function. In summary, the available evidence is currently insufficient to determine the role of this variant in disease. Therefore, it has been classified as a Variant of Uncertain Significance.